The following is an entry in ClinVar:

ClinVar aggregate classification (germline): Pathogenic. Review status: criteria provided, multiple submitters, no conflicts (2 of 4 stars). 2 submissions from 2 submitters: Pathogenic (2). Last evaluated 2019-07-21.

Conditions:
Multiple congenital exostosis (EXT). Also called: Multiple exostoses; Hereditary multiple osteochondromas; Hereditary multiple exostoses; Hereditary multiple exostosis; Multiple osteochondromas; MULTIPLE CARTILAGINOUS EXOSTOSES. Identifiers: Orphanet 321, MedGen C0015306, MONDO:0005508, HP:0002762.
Exostoses, multiple, type 1 (EXT1). Also called: EXOSTOSES, MULTIPLE, TYPE I; Hereditary Multiple Osteochondromatosis, Type I. Identifiers: MedGen CN263289, MONDO:0007585, OMIM 133700.

Submissions (2):

Labcorp Genetics (formerly Invitae), Labcorp
Classification: Pathogenic for Multiple congenital exostosis. Last evaluated: 2019-07-21. Review status: criteria provided, single submitter. Criteria: Invitae Variant Classification Sherloc (09022015). Collection method: clinical testing. Allele origin: germline.
Comment: This sequence change creates a premature translational stop signal (p.Glu370*) in the EXT1 gene. It is expected to result in an absent or disrupted protein product. This variant is not present in population databases (ExAC no frequency). This variant has been observed in individuals affected with multiple exostoses (PMID: 30334991, 22913777, 24496678, Invitae). Loss-of-function variants in EXT1 are known to be pathogenic (PMID: 10679937, 11391482, 19810120). For these reasons, this variant has been classified as Pathogenic.

Clinical Genetics Service, Universitary Hospital 12 de Octubre
Classification: Pathogenic for Exostoses, multiple, type 1. Review status: criteria provided, single submitter. Criteria: ACMG Guidelines, 2015. Collection method: clinical testing. Allele origin: germline. Affected: yes.

Literature cited by the submitters: PubMed 30334991 (cited by Labcorp Genetics (formerly Invitae), Labcorp); PubMed 22913777 (cited by Labcorp Genetics (formerly Invitae), Labcorp); PubMed 24496678 (cited by Labcorp Genetics (formerly Invitae), Labcorp); PubMed 10679937 (cited by Labcorp Genetics (formerly Invitae), Labcorp); PubMed 11391482 (cited by Labcorp Genetics (formerly Invitae), Labcorp); PubMed 19810120 (cited by Labcorp Genetics (formerly Invitae), Labcorp).

NM_000127.3(EXT1):c.1108G>T (p.Glu370Ter)

Gene: EXT1 (exostosin glycosyltransferase 1; minus strand). Cytogenetic location: 8q24.11.
Variant type: single nucleotide variant.
Coding change: c.1108G>T on transcript NM_000127.3 (MANE Select); coding-DNA position 1108, G replaced by T.
Protein change: p.Glu370Ter; replaces glutamic acid 370 with a stop codon.
Molecular consequence: nonsense.
Genome position (GRCh38, 1-based): chr8:117,835,500, C>A on the plus strand (G>T on the coding strand, the complement: EXT1 is on the minus strand). VCF-style: chr8-117835500-C-A. GRCh37 (hg19) VCF-style: chr8-118847739-C-A.
Other names: short protein forms E370*.
Identifiers: ClinVar variation 843973 (VCV000843973.10), dbSNP rs1812174128, ClinGen allele CA371892346.